The following is an entry in ClinVar:

NM_005726.6(TSFM):c.23G>C (p.Arg8Pro)

Gene: TSFM (Ts translation elongation factor, mitochondrial; plus strand). Cytogenetic location: 12q14.1.
Variant type: single nucleotide variant.
Coding change: c.23G>C on transcript NM_005726.6 (MANE Select); coding-DNA position 23, G replaced by C.
Protein change: p.Arg8Pro; replaces arginine 8 with proline.
Molecular consequence: missense variant.
Genome position (GRCh38, 1-based): chr12:57,782,824, G>C. VCF-style: chr12-57782824-G-C. GRCh37 (hg19) VCF-style: chr12-58176607-G-C.
Other names: c.23G>C, p.Arg8Pro (NM_001172695.2, NM_001172696.2, NM_001172697.2); short protein forms R8P.
Identifiers: ClinVar variation 1359716 (VCV001359716.8), dbSNP rs763668656, ClinGen allele CA385522942.
Genomic context (GRCh38, chr12:57,782,824, plus strand): 5'-AGTGCGCCCGCCGGAGGGTGTTTATCGCGGCTAGAGAGATGTCGCTGCTGCGGTCGCTGC[G>C]CGTGTTTCTGGTCGCGCGGACCGGGAGCTACCCGGTGAGAAGTCCTGGTGCTGGTACCGA-3'
Protein context (NP_005717.3, residues 1-18): MSLLRSL[Arg8Pro]VFLVARTGSY

ClinVar aggregate classification (germline): Uncertain significance (1 of 4 stars; one submission).

Submission:

Labcorp Genetics (formerly Invitae), Labcorp
Classification: Uncertain significance. Last evaluated: 2021-06-07. Review status: criteria provided, single submitter. Criteria: Invitae Variant Classification Sherloc (09022015). Collection method: clinical testing. Allele origin: germline.
Comment: In summary, the available evidence is currently insufficient to determine the role of this variant in disease. Therefore, it has been classified as a Variant of Uncertain Significance. This sequence change replaces arginine with proline at codon 8 of the TSFM protein (p.Arg8Pro). The arginine residue is moderately conserved and there is a moderate physicochemical difference between arginine and proline. This variant is not present in population databases (ExAC no frequency). This variant has not been reported in the literature in individuals with TSFM-related conditions. Algorithms developed to predict the effect of missense changes on protein structure and function (SIFT, PolyPhen-2, Align-GVGD) all suggest that this variant is likely to be tolerated, but these predictions have not been confirmed by published functional studies and their clinical significance is uncertain.